The following is an entry in ClinVar:

ClinVar aggregate classification (germline): Uncertain significance (1 of 4 stars; one submission).

Conditions:
Cardiovascular phenotype. Identifiers: MedGen CN230736.

Allele frequency attached by ClinVar (database versions not stated): gnomAD exomes below 0.00001; TOPMed below 0.00001.

Submission:

Ambry Genetics
Classification: Uncertain significance for Cardiovascular phenotype. Last evaluated: 2018-04-10. Review status: criteria provided, single submitter. Criteria: Ambry Variant Classification Scheme 2023. Collection method: clinical testing. Allele origin: germline.
Comment: The p.T32I variant (also known as c.95C>T), located in coding exon 1 of the JUP gene, results from a C to T substitution at nucleotide position 95. The threonine at codon 32 is replaced by isoleucine, an amino acid with similar properties. This amino acid position is highly conserved in available vertebrate species. In addition, this alteration is predicted to be deleterious by in silico analysis. Since supporting evidence is limited at this time, the clinical significance of this alteration remains unclear.

NM_002230.4(JUP):c.95C>T (p.Thr32Ile)

Gene: JUP (junction plakoglobin; minus strand). Cytogenetic location: 17q21.2.
Variant type: single nucleotide variant.
Coding change: c.95C>T on transcript NM_002230.4 (MANE Select); coding-DNA position 95, C replaced by T.
Protein change: p.Thr32Ile; replaces threonine 32 with isoleucine.
Molecular consequence: missense variant.
Genome position (GRCh38, 1-based): chr17:41,771,760, G>A on the plus strand (C>T on the coding strand, the complement: JUP is on the minus strand). VCF-style: chr17-41771760-G-A. GRCh37 (hg19) VCF-style: chr17-39928012-G-A.
Other names: c.95C>T, p.Thr32Ile (NM_001352773.2, NM_001352774.2, NM_001352775.2 and 3 more transcripts); short protein forms T32I.
Identifiers: ClinVar variation 1767518 (VCV001767518.2), dbSNP rs1916685977, ClinGen allele CA399507021.